The following is an entry in ClinVar:

NM_020884.7(MYH7B):c.502C>T (p.Arg168Ter)

Gene: MYH7B (myosin heavy chain 7B; plus strand). Cytogenetic location: 20q11.22.
Variant type: single nucleotide variant.
Coding change: c.502C>T on transcript NM_020884.7 (MANE Select); coding-DNA position 502, C replaced by T.
Protein change: p.Arg168Ter; replaces arginine 168 with a stop codon.
Molecular consequence: nonsense.
Genome position (GRCh38, 1-based): chr20:34,981,035, C>T. VCF-style: chr20-34981035-C-T. GRCh37 (hg19) VCF-style: chr20-33568838-C-T.
Other names: short protein forms R168*.
Identifiers: ClinVar variation 2149779 (VCV002149779.4), dbSNP rs370367964, ClinGen allele CA9826474.

ClinVar aggregate classification (germline): Uncertain significance (1 of 4 stars; one submission).

Allele frequency attached by ClinVar (database versions not stated): gnomAD 0.00005; ESP Exome Variant Server 0.00008.
gnomAD v4.1: 24 of 1,613,966 alleles (0.0015%); highest among the groups gnomAD compares: African/African-American, 0.0067%; 1 homozygote.

Submission:

Labcorp Genetics (formerly Invitae), Labcorp
Classification: Uncertain significance. Last evaluated: 2023-10-31. Review status: criteria provided, single submitter. Criteria: Invitae Variant Classification Sherloc (09022015). Collection method: clinical testing. Allele origin: germline.
Comment: This sequence change creates a premature translational stop signal (p.Arg210*) in the MYH7B gene. It is expected to result in an absent or disrupted protein product. However, the current clinical and genetic evidence is not sufficient to establish whether loss-of-function variants in MYH7B cause disease. This variant is present in population databases (rs370367964, gnomAD 0.004%). This variant has not been reported in the literature in individuals affected with MYH7B-related conditions. ClinVar contains an entry for this variant (Variation ID: 2149779). In summary, the available evidence is currently insufficient to determine the role of this variant in disease. Therefore, it has been classified as a Variant of Uncertain Significance.